The following is an entry in ClinVar:

NM_014141.6(CNTNAP2):c.682G>T (p.Gly228Ter)

Gene: CNTNAP2 (contactin associated protein 2; plus strand). Cytogenetic location: 7q35.
Variant type: single nucleotide variant.
Coding change: c.682G>T on transcript NM_014141.6 (MANE Select); coding-DNA position 682, G replaced by T.
Protein change: p.Gly228Ter; replaces glycine 228 with a stop codon.
Molecular consequence: nonsense.
Genome position (GRCh38, 1-based): chr7:147,108,278, G>T. VCF-style: chr7-147108278-G-T. GRCh37 (hg19) VCF-style: chr7-146805370-G-T.
Other names: c.682G>T (NM_014141.5); short protein forms G228*.
Identifiers: ClinVar variation 1370808 (VCV001370808.9), dbSNP rs371512835, ClinGen allele CA369923211.

ClinVar aggregate classification (germline): Pathogenic/Likely pathogenic. Review status: criteria provided, multiple submitters, no conflicts (2 of 4 stars). 3 submissions from 3 submitters: Pathogenic (1); Likely pathogenic (2). Last evaluated 2026-08-14.

Conditions:
Cortical dysplasia-focal epilepsy syndrome (PTHSL1). Also called: Pitt-Hopkins-like syndrome 1. Identifiers: Orphanet 163681, Orphanet 221150, MedGen C2750246, MONDO:0012400, OMIM 610042.
Autism, susceptibility to, 15. Also called: Autism susceptibility 15. Identifiers: MedGen C2677504, MONDO:0012801, OMIM 612100.

gnomAD v4.1: 1 of 1,613,698 alleles (0.000062%); highest among the groups gnomAD compares: Admixed American, 0.0017%; no homozygotes.

Submissions (3):

GeneDx
Classification: Likely pathogenic. Last evaluated: 2026-08-14. Review status: criteria provided, single submitter. Criteria: GeneDx Variant Classification Process June 2021. Collection method: clinical testing. Allele origin: germline.
Comment: Nonsense variant predicted to result in protein truncation or nonsense mediated decay in a gene for which loss of function is a known mechanism of disease; Not observed at significant frequency in large population cohorts (gnomAD); Has not been previously published as pathogenic or benign to our knowledge

Labcorp Genetics (formerly Invitae), Labcorp
Classification: Pathogenic for Cortical dysplasia-focal epilepsy syndrome. Last evaluated: 2024-11-05. Review status: criteria provided, single submitter. Criteria: Invitae Variant Classification Sherloc (09022015). Collection method: clinical testing. Allele origin: germline.
Comment: This sequence change creates a premature translational stop signal (p.Gly228*) in the CNTNAP2 gene. It is expected to result in an absent or disrupted protein product. Loss-of-function variants in CNTNAP2 are known to be pathogenic (PMID: 19896112, 21827697, 25045150, 26843181, 27439707). This variant is not present in population databases (gnomAD no frequency). This variant has not been reported in the literature in individuals affected with CNTNAP2-related conditions. ClinVar contains an entry for this variant (Variation ID: 1370808). For these reasons, this variant has been classified as Pathogenic.

Fulgent Genetics
Classification: Likely pathogenic for Cortical dysplasia-focal epilepsy syndrome; Autism, susceptibility to, 15. Last evaluated: 2024-03-26. Review status: criteria provided, single submitter. Criteria: ACMG Guidelines, 2015. Collection method: clinical testing. Allele origin: germline.

Literature cited by the submitters: PubMed 19896112 (cited by Labcorp Genetics (formerly Invitae), Labcorp); PubMed 21827697 (cited by Labcorp Genetics (formerly Invitae), Labcorp); PubMed 25045150 (cited by Labcorp Genetics (formerly Invitae), Labcorp); PubMed 26843181 (cited by Labcorp Genetics (formerly Invitae), Labcorp); PubMed 27439707 (cited by Labcorp Genetics (formerly Invitae), Labcorp).